The following is an entry in ClinVar:

ClinVar aggregate classification (germline): Uncertain significance (0 of 4 stars; one submission).

Conditions:
Kidney disorder. Also called: Nephropathy; Kidney disease; Kidney Diseases; renal disorder; renal disease. Identifiers: MedGen C0022658, MONDO:0005240, HP:0000112.

gnomAD v4.1: 146 of 152,090 alleles (0.096%); highest among the groups gnomAD compares: Non-Finnish European, 0.12%; no homozygotes.

Submission:

Joint Genome Diagnostic Labs from Nijmegen and Maastricht, Radboudumc and MUMC+
Classification: Uncertain significance for renal disorder. Review status: no assertion criteria provided. Collection method: clinical testing. Allele origin: germline. Affected: yes.

NM_016341.4(PLCE1):c.3555-1316G>A

Gene: PLCE1 (phospholipase C epsilon 1; plus strand). Cytogenetic location: 10q23.33.
Variant type: single nucleotide variant.
Coding change: c.3555-1316G>A on transcript NM_016341.4 (MANE Select); 1316 bases into the intron before coding-DNA position 3555, G replaced by A.
Molecular consequence: intron variant.
Genome position (GRCh38, 1-based): chr10:94,257,484, G>A. VCF-style: chr10-94257484-G-A. GRCh37 (hg19) VCF-style: chr10-96017241-G-A.
Other names: c.3507-1316G>A (NM_001288989.2); c.2631-1316G>A (NM_001165979.2).
Identifiers: ClinVar variation 3338142 (VCV003338142.1).
Genomic context (GRCh38, chr10:94,257,484, plus strand): 5'-ATACCCAAAGGATTATAAATCATGCTGCTATAAAGACACATGTACACGTATGTTTATTGC[G>A]GCACTATTCACAATAGCAAAGACTTGGAACCAACCCAAATGTCCATCAATGATAGACTGG-3'